The following is an entry in ClinVar:

NM_001352754.2(ARMC9):c.278C>T (p.Ala93Val)

Gene: ARMC9 (armadillo repeat containing 9; plus strand). Cytogenetic location: 2q37.1.
Variant type: single nucleotide variant.
Coding change: c.278C>T on transcript NM_001352754.2 (MANE Select); coding-DNA position 278, C replaced by T.
Protein change: p.Ala93Val; replaces alanine 93 with valine.
Molecular consequence: missense variant. On other transcripts: non-coding transcript variant (1).
Genome position (GRCh38, 1-based): chr2:231,214,931, C>T. VCF-style: chr2-231214931-C-T. GRCh37 (hg19) VCF-style: chr2-232079644-C-T.
Other names: c.278C>T, p.Ala93Val (NM_001271466.4, NM_001291656.2, NM_001352755.2 and 5 more transcripts); short protein forms A93V.
Identifiers: ClinVar variation 1002246 (VCV001002246.10), dbSNP rs2033331258, ClinGen allele CA350946048.
Genomic context (GRCh38, chr2:231,214,931, plus strand): 5'-TGTTCTTCGATCTGTGGGAGGAGCACATTTCAAGTTCCATCCGAGATGGGGACTCCTTTG[C>T]CCAGAAGCTGGAATTCTATCTCCACATCCATTTTGCCATCTATCTTTTGAAGTACTCTGT-3'
Protein context (NP_001339683.2, residues 83-103): SSSIRDGDSF[Ala93Val]QKLEFYLHIH

ClinVar aggregate classification (germline): Uncertain significance (1 of 4 stars; one submission).

Allele frequency attached by ClinVar (database versions not stated): gnomAD exomes below 0.00001.
gnomAD v4.1: 3 of 1,614,096 alleles (0.00019%); highest among the groups gnomAD compares: Non-Finnish European, 0.00025%; no homozygotes.

Submission:

Labcorp Genetics (formerly Invitae), Labcorp
Classification: Uncertain significance. Last evaluated: 2022-04-25. Review status: criteria provided, single submitter. Criteria: Invitae Variant Classification Sherloc (09022015). Collection method: clinical testing. Allele origin: germline.
Comment: This variant has not been reported in the literature in individuals affected with ARMC9-related conditions. In summary, the available evidence is currently insufficient to determine the role of this variant in disease. Therefore, it has been classified as a Variant of Uncertain Significance. Experimental studies and prediction algorithms are not available or were not evaluated, and the functional significance of this variant is currently unknown. ClinVar contains an entry for this variant (Variation ID: 1002246). This variant is not present in population databases (gnomAD no frequency). This sequence change replaces alanine, which is neutral and non-polar, with valine, which is neutral and non-polar, at codon 93 of the ARMC9 protein (p.Ala93Val).